The following is an entry in ClinVar:

ClinVar aggregate classification (germline): Pathogenic/Likely pathogenic. Review status: criteria provided, multiple submitters, no conflicts (2 of 4 stars). 5 submissions from 5 submitters: Pathogenic (2); Likely pathogenic (2). 1 of the submissions does not count toward it. Last evaluated 2025-03-03.

Conditions:
TNFRSF1A-related disorder. Also called: TNFRSF1A-related condition.
TNF receptor-associated periodic fever syndrome (TRAPS) (FPF). Also called: FAMILIAL HIBERNIAN FEVER; TNF RECEPTOR-ASSOCIATED PERIODIC SYNDROME; TUMOR NECROSIS FACTOR RECEPTOR-ASSOCIATED PERIODIC SYNDROME; TNF Receptor-Associated Periodic Fever Syndrome; Autosomal Dominant Familial Periodic Fever; TNF receptor 1-associated periodic fever syndrome. Identifiers: Orphanet 32960, MedGen C1275126, MONDO:0007727, OMIM 142680.

Submissions (5):

Labcorp Genetics (formerly Invitae), Labcorp
Classification: Pathogenic for TNF receptor-associated periodic fever syndrome (TRAPS). Last evaluated: 2025-03-03. Review status: criteria provided, single submitter. Criteria: Invitae Variant Classification Sherloc (09022015). Collection method: clinical testing. Allele origin: germline.
Comment: This sequence change replaces cysteine, which is neutral and slightly polar, with tyrosine, which is neutral and polar, at codon 59 of the TNFRSF1A protein (p.Cys59Tyr). This variant is not present in population databases (gnomAD no frequency). This missense change has been observed in individual(s) with clinical features of TNF receptor-associated periodic fever syndrome (TRAPS) (PMID: 15216558, 23965844, 33162992, 35640127; internal data). It has also been observed to segregate with disease in related individuals. This variant is also known as p.Cys30Tyr. ClinVar contains an entry for this variant (Variation ID: 97652). Invitae Evidence Modeling of protein sequence and biophysical properties (such as structural, functional, and spatial information, amino acid conservation, physicochemical variation, residue mobility, and thermodynamic stability) indicates that this missense variant is expected to disrupt TNFRSF1A protein function with a positive predictive value of 80%. This variant disrupts the p.Cys59 amino acid residue in TNFRSF1A. Other variant(s) that disrupt this residue have been determined to be pathogenic (PMID: 23965844; internal data). This suggests that this residue is clinically significant, and that variants that disrupt this residue are likely to be disease-causing. For these reasons, this variant has been classified as Pathogenic.

GeneDx
Classification: Pathogenic. Last evaluated: 2024-09-21. Review status: criteria provided, single submitter. Criteria: GeneDx Variant Classification Process June 2021. Collection method: clinical testing. Allele origin: germline. Affected: yes.
Comment: Not observed at significant frequency in large population cohorts (gnomAD); In silico analysis supports that this missense variant has a deleterious effect on protein structure/function; Also known as p.(C30Y); This variant is associated with the following publications: (PMID: 33162992, 15216558, 17075277, 23965844, 35640127, 10199409, 22566169)

Blueprint Genetics
Classification: Likely pathogenic for TNFRSF1A-related disorders. Last evaluated: 2024-02-23. Review status: criteria provided, single submitter. Criteria: ACMG Guidelines, 2015. Collection method: clinical testing. Allele origin: germline. Affected: yes. Observed: 3 variant alleles.

Mayo Clinic Laboratories, Mayo Clinic
Classification: Likely pathogenic. Last evaluated: 2023-09-14. Review status: criteria provided, single submitter. Criteria: ACMG Guidelines, 2015. Collection method: clinical testing. Allele origin: germline. Observed: 1 variant allele.
Comment: PP3, PM1, PM2, PM5, PS4_moderate

Unité médicale des maladies autoinflammatoires, CHRU Montpellier
No classification provided. Condition: TNF receptor-associated periodic fever syndrome (TRAPS). Review status: no classification provided. Collection method: not provided. Allele origin: unknown. Not counted in ClinVar's aggregate classification.

Literature cited by the submitters: PubMed 15216558 (cited by Labcorp Genetics (formerly Invitae), Labcorp and Mayo Clinic Laboratories, Mayo Clinic); PubMed 23965844 (cited by Labcorp Genetics (formerly Invitae), Labcorp); PubMed 33162992 (cited by Labcorp Genetics (formerly Invitae), Labcorp); PubMed 35640127 (cited by Labcorp Genetics (formerly Invitae), Labcorp and Mayo Clinic Laboratories, Mayo Clinic); PubMed 29599418 (cited by Mayo Clinic Laboratories, Mayo Clinic).

NM_001065.4(TNFRSF1A):c.176G>A (p.Cys59Tyr)

Gene: TNFRSF1A (TNF receptor superfamily member 1A; minus strand). Cytogenetic location: 12p13.31.
Variant type: single nucleotide variant.
Coding change: c.176G>A on transcript NM_001065.4 (MANE Select); coding-DNA position 176, G replaced by A.
Protein change: p.Cys59Tyr; replaces cysteine 59 with tyrosine.
Molecular consequence: missense variant. On other transcripts: 5 prime UTR variant (1), non-coding transcript variant (1), intron variant (1).
Genome position (GRCh38, 1-based): chr12:6,334,108, C>T on the plus strand (G>A on the coding strand, the complement: TNFRSF1A is on the minus strand). VCF-style: chr12-6334108-C-T. GRCh37 (hg19) VCF-style: chr12-6443274-C-T.
Other names: p.Cys59Tyr; c.-402G>A (NM_001346092.2); c.-131-243G>A (NM_001346091.2); short protein forms C59Y.
Identifiers: ClinVar variation 97652 (VCV000097652.11), dbSNP rs104895223, ClinGen allele CA280721.